The following is an entry in ClinVar:

ClinVar aggregate classification (germline): Uncertain significance. Review status: criteria provided, multiple submitters, no conflicts (2 of 4 stars). 2 submissions from 2 submitters: Uncertain significance (2). Last evaluated 2025-10-25.

Conditions:
Hereditary cancer-predisposing syndrome. Also called: Tumor predisposition; Hereditary neoplastic syndrome; Neoplastic Syndromes, Hereditary; Hereditary Cancer Syndrome. Identifiers: Orphanet 140162, MedGen C0027672, MeSH D009386, MONDO:0015356.

Allele frequency attached by ClinVar (database versions not stated): gnomAD exomes below 0.00001; TOPMed 0.00001.

Submissions (2):

Labcorp Genetics (formerly Invitae), Labcorp
Classification: Uncertain significance. Last evaluated: 2025-10-25. Review status: criteria provided, single submitter. Criteria: Invitae Variant Classification Sherloc (09022015). Collection method: clinical testing. Allele origin: germline.
Comment: This sequence change replaces histidine, which is basic and polar, with arginine, which is basic and polar, at codon 52 of the NTHL1 protein (p.His52Arg). This variant is not present in population databases (gnomAD no frequency). This variant has not been reported in the literature in individuals affected with NTHL1-related conditions. ClinVar contains an entry for this variant (Variation ID: 949909). An algorithm developed to predict the effect of missense changes on protein structure and function outputs the following: PolyPhen-2: "Benign". The arginine amino acid residue is found in multiple mammalian species, which suggests that this missense change does not adversely affect protein function. In summary, the available evidence is currently insufficient to determine the role of this variant in disease. Therefore, it has been classified as a Variant of Uncertain Significance.

Ambry Genetics
Classification: Uncertain significance for Hereditary cancer-predisposing syndrome. Last evaluated: 2025-05-22. Review status: criteria provided, single submitter. Criteria: Ambry Variant Classification Scheme 2023. Collection method: clinical testing. Allele origin: germline.
Comment: The p.H52R variant (also known as c.155A>G), located in coding exon 2 of the NTHL1 gene, results from an A to G substitution at nucleotide position 155. The histidine at codon 52 is replaced by arginine, an amino acid with highly similar properties. This amino acid position is not well conserved in available vertebrate species. In addition, this alteration is predicted to be tolerated by in silico analysis. Since supporting evidence is limited at this time, the clinical significance of this alteration remains unclear.

NM_002528.7(NTHL1):c.131A>G (p.His44Arg)

Gene: NTHL1 (nth like DNA glycosylase 1; minus strand). Cytogenetic location: 16p13.3.
Variant type: single nucleotide variant.
Coding change: c.131A>G on transcript NM_002528.7 (MANE Select); coding-DNA position 131, A replaced by G.
Protein change: p.His44Arg; replaces histidine 44 with arginine.
Molecular consequence: missense variant. On other transcripts: 5 prime UTR variant (1).
Genome position (GRCh38, 1-based): chr16:2,046,351, T>C on the plus strand (A>G on the coding strand, the complement: NTHL1 is on the minus strand). VCF-style: chr16-2046351-T-C. GRCh37 (hg19) VCF-style: chr16-2096352-T-C.
Other names: c.131A>G, p.His44Arg (NM_001318193.2); c.-48A>G (NM_001318194.2); short protein forms H44R.
Identifiers: ClinVar variation 949909 (VCV000949909.11), dbSNP rs923173693, ClinGen allele CA276765716.
Genomic context (GRCh38, chr16:2,046,351, plus strand): 5'-TCCGAGCCCTCATAGGCCACACGCAGTCTCTGTGCTTTCCGCGGACGCTTCACGGGGCTG[T>C]GGCTTTTCCTCGCTTCTGCAAAAAGCACCACGCAGTCCCTCTGGTGGGGCCACAGGTGAA-3'
Protein context (NP_002519.2, residues 34-54): REAAAEARKS[His44Arg]SPVKRPRKAQ